The following is an entry in ClinVar:

NM_012210.4(TRIM32):c.893C>T (p.Pro298Leu)

Genes: ASTN2 (astrotactin 2; minus strand), TRIM32 (tripartite motif containing 32; plus strand). Cytogenetic location: 9q33.1.
Variant type: single nucleotide variant.
Coding change: c.893C>T on transcript NM_012210.4 (MANE Select); coding-DNA position 893, C replaced by T.
Protein change: p.Pro298Leu; replaces proline 298 with leucine.
Molecular consequence: missense variant. On other transcripts: intron variant (3).
Genome position (GRCh38, 1-based): chr9:116,698,635, C>T. VCF-style: chr9-116698635-C-T. GRCh37 (hg19) VCF-style: chr9-119460914-C-T.
Other names: c.893C>T, p.Pro298Leu (NM_001099679.2, NM_001379048.1, NM_001379049.1 and 1 more transcripts); c.2653+27136G>A (NM_014010.5); c.2794+27136G>A (NM_001365069.1); c.2806+27136G>A (NM_001365068.1); short protein forms P298L.
Identifiers: ClinVar variation 1487835 (VCV001487835.6), dbSNP rs2132073313, ClinGen allele CA374650247.

ClinVar aggregate classification (germline): Uncertain significance (1 of 4 stars; one submission).

Conditions:
Bardet-Biedl syndrome (BBS). Identifiers: Orphanet 110, MedGen C0752166, MONDO:0015229.

Submission:

Labcorp Genetics (formerly Invitae), Labcorp
Classification: Uncertain significance for Bardet-Biedl syndrome. Last evaluated: 2022-12-03. Review status: criteria provided, single submitter. Criteria: Invitae Variant Classification Sherloc (09022015). Collection method: clinical testing. Allele origin: germline.
Comment: This sequence change replaces proline, which is neutral and non-polar, with leucine, which is neutral and non-polar, at codon 298 of the TRIM32 protein (p.Pro298Leu). In summary, the available evidence is currently insufficient to determine the role of this variant in disease. Therefore, it has been classified as a Variant of Uncertain Significance. Algorithms developed to predict the effect of missense changes on protein structure and function are either unavailable or do not agree on the potential impact of this missense change (SIFT: "Tolerated"; PolyPhen-2: "Possibly Damaging"; Align-GVGD: "Class C25"). ClinVar contains an entry for this variant (Variation ID: 1487835). This variant has not been reported in the literature in individuals affected with TRIM32-related conditions. This variant is not present in population databases (gnomAD no frequency).